The following is an entry in ClinVar:

NM_006766.5(KAT6A):c.1138_1139inv (p.Glu380Ser)

Gene: KAT6A (lysine acetyltransferase 6A; minus strand). Cytogenetic location: 8p11.21.
Variant type: Inversion.
Coding change: c.1138_1139inv on transcript NM_006766.5 (MANE Select).
Protein change: p.Glu380Ser; replaces glutamic acid 380 with serine.
Molecular consequence: missense variant.
Genome position: GRCh38 VCF-style: chr8-41977232-TC-GA. GRCh37 (hg19) VCF-style: chr8-41834750-TC-GA.
Other names: c.1138_1139inv, p.Glu380Ser (NM_001305878.2); c.1138_1139delinsTC (NM_006766.4); short protein forms E380S.
Identifiers: ClinVar variation 1730203 (VCV001730203.10), ClinGen allele CA2580078295.

ClinVar aggregate classification (germline): Conflicting classifications of pathogenicity. Review status: criteria provided, conflicting classifications (1 of 4 stars). 4 submissions from 4 submitters: Uncertain significance (1); Benign (2); Likely benign (1). Last evaluated 2026-04-14.

Conditions:
KAT6A-related disorder. Also called: KAT6A-related condition.
Inborn genetic diseases. Identifiers: MedGen C0950123, MeSH D030342.

Submissions (4):

PreventionGenetics, part of Exact Sciences
Classification: Likely benign for KAT6A-related condition. Last evaluated: 2026-04-14. Review status: criteria provided, single submitter. Criteria: ACMG Guidelines, 2015. Collection method: clinical testing. Allele origin: germline.
Comment: This variant is classified as likely benign based on ACMG/AMP sequence variant interpretation guidelines (Richards et al. 2015 PMID: 25741868, with internal and published modifications).

CeGaT Center for Human Genetics Tuebingen
Classification: Uncertain significance. Last evaluated: 2026-02-01. Review status: criteria provided, single submitter. Criteria: CeGaT Center For Human Genetics Tuebingen Variant Classification Criteria Version 2. Collection method: clinical testing. Allele origin: germline. Affected: yes. Observed: 1 variant allele.

Labcorp Genetics (formerly Invitae), Labcorp
Classification: Benign. Last evaluated: 2025-11-12. Review status: criteria provided, single submitter. Criteria: Invitae Variant Classification Sherloc (09022015). Collection method: clinical testing. Allele origin: germline.

Ambry Genetics
Classification: Benign for Inborn genetic diseases. Last evaluated: 2019-04-02. Review status: criteria provided, single submitter. Criteria: Ambry Variant Classification Scheme 2023. Collection method: clinical testing. Allele origin: germline.